The following is an entry in ClinVar:

NM_014008.5(CCDC22):c.1490T>G (p.Ile497Ser)

Gene: CCDC22 (CCC complex scaffolding subunit CCDC22; plus strand). Cytogenetic location: Xp11.23.
Variant type: single nucleotide variant.
Coding change: c.1490T>G on transcript NM_014008.5 (MANE Select); coding-DNA position 1490, T replaced by G.
Protein change: p.Ile497Ser; replaces isoleucine 497 with serine.
Molecular consequence: missense variant.
Genome position (GRCh38, 1-based): chrX:49,248,875, T>G. VCF-style: chrX-49248875-T-G. GRCh37 (hg19) VCF-style: chrX-49105336-T-G.
Other names: short protein forms I497S.
Identifiers: ClinVar variation 1686543 (VCV001686543.3), dbSNP rs1007227022, ClinGen allele CA329132524.

ClinVar aggregate classification (germline): Uncertain significance. Review status: criteria provided, multiple submitters, no conflicts (2 of 4 stars). 2 submissions from 2 submitters: Uncertain significance (2). Last evaluated 2025-06-04.

Submissions (2):

Dasa
Classification: Uncertain significance. Last evaluated: 2025-06-04. Review status: criteria provided, single submitter. Criteria: DASA Assertion Criteria. Collection method: clinical testing. Allele origin: germline.
Comment: NM_014008.5(CCDC22):c.1490T>G (p.Ile497Ser) is a missense variant that results in the substitution of isoleucine with serine. This variant is rare in population databases. The currently available literature and clinical evidence are not sufficient to establish a definitive association between this variant and the reported condition. Therefore, this variant is classified as a variant of uncertain significance.

Mendelics
Classification: Uncertain significance. Last evaluated: 2022-05-04. Review status: criteria provided, single submitter. Criteria: Mendelics Assertion Criteria 2019. Collection method: clinical testing. Allele origin: germline.